The following is an entry in ClinVar:

NM_152564.5(VPS13B):c.6552T>A (p.Cys2184Ter)

Gene: VPS13B (vacuolar protein sorting 13 homolog B; plus strand). Cytogenetic location: 8q22.2.
Variant type: single nucleotide variant.
Coding change: c.6552T>A on transcript NM_152564.5 (MANE Select); coding-DNA position 6552, T replaced by A.
Protein change: p.Cys2184Ter; replaces cysteine 2184 with a stop codon.
Molecular consequence: nonsense.
Genome position (GRCh38, 1-based): chr8:99,717,268, T>A. VCF-style: chr8-99717268-T-A. GRCh37 (hg19) VCF-style: chr8-100729496-T-A.
Other names: c.6627T>A, p.Cys2209Ter (NM_017890.5); short protein forms C2184*, C2209*.
Identifiers: ClinVar variation 1724957 (VCV001724957.2), dbSNP rs2491562052, ClinGen allele CA371867282.

ClinVar aggregate classification (germline): Likely pathogenic (1 of 4 stars; one submission).

Conditions:
Cohen syndrome (COH1). Also called: PEPPER SYNDROME; Cutis verticis gyrata, retinitis pigmentosa, and sensorineural deafness. Identifiers: Orphanet 193, MedGen C0265223, MONDO:0008999, OMIM 216550.

Submission:

Myriad Genetics, Inc.
Classification: Likely pathogenic for Cohen syndrome. Last evaluated: 2022-03-03. Review status: criteria provided, single submitter. Criteria: Myriad Women's Health Autosomal Recessive and X-Linked Classification Criteria (2021). Collection method: clinical testing. Allele origin: unknown.
Comment: NM_017890.4(VPS13B):c.6627T>A(C2209*) is expected to be pathogenic in the context of Cohen syndrome. This variant is predicted to lead to an abnormal or absent protein product due to the creation of a premature termination codon in VPS13B, a gene where loss-of-function variants are known to be pathogenic. Please note: this variant was assessed in the context of healthy population screening.